The following is an entry in ClinVar:

ClinVar aggregate classification (germline): Conflicting classifications of pathogenicity. Review status: criteria provided, conflicting classifications (1 of 4 stars). 3 submissions from 3 submitters: Uncertain significance (2); Likely benign (1). Last evaluated 2025-12-23.

Conditions:
Hereditary motor and sensory neuropathy, Okinawa type (HMSNO). Also called: HEREDITARY MOTOR AND SENSORY NEUROPATHY, PROXIMAL TYPE. Identifiers: Orphanet 90117, MedGen C1858338, MONDO:0011468, OMIM 604484.
Hereditary spastic paraplegia 57. Also called: Spastic paraplegia 57, autosomal recessive. Identifiers: Orphanet 431329, MedGen C3714897, MONDO:0014295, OMIM 615658.
Inborn genetic diseases. Identifiers: MedGen C0950123, MeSH D030342.

Allele frequency attached by ClinVar (database versions not stated): ExAC 0.00002; gnomAD 0.00001; gnomAD exomes 0.00001 and 0.00002; TOPMed 0.00001.

Submissions (3):

Labcorp Genetics (formerly Invitae), Labcorp
Classification: Likely benign for Hereditary motor and sensory neuropathy, Okinawa type; Hereditary spastic paraplegia 57. Last evaluated: 2025-12-23. Review status: criteria provided, single submitter. Criteria: Invitae Variant Classification Sherloc (09022015). Collection method: clinical testing. Allele origin: germline.

Ambry Genetics
Classification: Uncertain significance for Inborn genetic diseases. Last evaluated: 2025-01-16. Review status: criteria provided, single submitter. Criteria: Ambry Variant Classification Scheme 2023. Collection method: clinical testing. Allele origin: germline.

Women's Health and Genetics/Laboratory Corporation of America, LabCorp
Classification: Uncertain significance. Last evaluated: 2024-03-08. Review status: criteria provided, single submitter. Criteria: LabCorp Variant Classification Summary - May 2015. Collection method: clinical testing. Allele origin: germline.
Comment: Variant summary: TFG c.310T>C (p.Tyr104His) results in a conservative amino acid change in the encoded protein sequence. Four of five in-silico tools predict a benign effect of the variant on protein function. The variant allele was found at a frequency of 2.4e-05 in 249592 control chromosomes. The available data on variant occurrences in the general population are insufficient to allow any conclusion about variant significance. To our knowledge, no occurrence of c.310T>C in individuals affected with TFG-Related Disorders and no experimental evidence demonstrating its impact on protein function have been reported. ClinVar contains an entry for this variant (Variation ID: 582975). Based on the evidence outlined above, the variant was classified as uncertain significance.

NM_006070.6(TFG):c.310T>C (p.Tyr104His)

Gene: TFG (trafficking from ER to golgi regulator; plus strand). Cytogenetic location: 3q12.2.
Variant type: single nucleotide variant.
Coding change: c.310T>C on transcript NM_006070.6 (MANE Select); coding-DNA position 310, T replaced by C.
Protein change: p.Tyr104His; replaces tyrosine 104 with histidine.
Molecular consequence: missense variant.
Genome position (GRCh38, 1-based): chr3:100,728,753, T>C. VCF-style: chr3-100728753-T-C. GRCh37 (hg19) VCF-style: chr3-100447597-T-C.
Other names: c.310T>C, p.Tyr104His (NM_001007565.2, NM_001195478.2, NM_001195479.2); short protein forms Y104H.
Identifiers: ClinVar variation 582975 (VCV000582975.11), dbSNP rs775608477, ClinGen allele CA2517046.
Genomic context (GRCh38, chr3:100,728,753, plus strand): 5'-ATAAATGTTTTTATTTCAGTTAATGGCCAGCCAAGACCCCTTGAATCAAGTCAGGTGAAA[T>C]ATCTCCGTCGAGAACTGATAGAACTTCGAAATAAAGTGAATCGTTTATTGGATAGCTTGG-3'
Protein context (NP_006061.2, residues 94-114): PRPLESSQVK[Tyr104His]LRRELIELRN